The following is an entry in ClinVar:

NM_001849.4(COL6A2):c.2258_2259del (p.Thr753fs)

Gene: COL6A2 (collagen type VI alpha 2 chain; plus strand). Cytogenetic location: 21q22.3.
Variant type: Microsatellite.
Coding change: c.2258_2259del on transcript NM_001849.4 (MANE Select); coding-DNA positions 2258 to 2259, 2 bases deleted (CA; older notation c.2258_2259delCA).
Protein change: p.Thr753fs; shifts the reading frame from threonine 753.
Molecular consequence: frameshift variant.
Genome position (GRCh38, 1-based): chr21:46,126,073-46,126,074, CA deleted; deleting any 2 consecutive bases within chr21:46,126,071-46,126,074 gives the same sequence; the c. name uses the placement nearest the transcript's 3' end. VCF-style (leftmost placement, unchanged base first): chr21-46126070-TCA-T. GRCh37 (hg19) VCF-style: chr21-47545984-TCA-T.
Other names: c.2258_2259del, p.Thr753fs (NM_058174.3, NM_058175.3); short protein forms T753fs.
Identifiers: ClinVar variation 871768 (VCV000871768.42), dbSNP rs2078661471, ClinGen allele CA1139666906.

ClinVar aggregate classification (germline): Pathogenic. Review status: criteria provided, multiple submitters, no conflicts (2 of 4 stars). 2 submissions from 2 submitters: Pathogenic (2). Last evaluated 2025-09-25.

Conditions:
Bethlem myopathy 1A. Also called: Bethlem myopathy 1; Bethlem Muscular Dystrophy; MYOPATHY, BENIGN CONGENITAL, WITH CONTRACTURES. Identifiers: Orphanet 610, MedGen CN029274, MONDO:0024530, OMIM 158810.

Submissions (2):

Labcorp Genetics (formerly Invitae), Labcorp
Classification: Pathogenic for Bethlem myopathy 1A. Last evaluated: 2025-09-25. Review status: criteria provided, single submitter. Criteria: Invitae Variant Classification Sherloc (09022015). Collection method: clinical testing. Allele origin: germline.
Comment: This sequence change creates a premature translational stop signal (p.Thr753Serfs*17) in the COL6A2 gene. It is expected to result in an absent or disrupted protein product. Loss-of-function variants in COL6A2 are known to be pathogenic (PMID: 19884007, 20976770). This variant is not present in population databases (gnomAD no frequency). This premature translational stop signal has been observed in individual(s) with autosomal recessive COL6A2-related conditions (PMID: 20976770). For these reasons, this variant has been classified as Pathogenic.

CeGaT Center for Human Genetics Tuebingen
Classification: Pathogenic. Last evaluated: 2016-09-01. Review status: criteria provided, single submitter. Criteria: CeGaT Center For Human Genetics Tuebingen Variant Classification Criteria Version 2. Collection method: clinical testing. Allele origin: germline. Affected: yes. Observed: 1 variant allele.

Literature cited by the submitters: PubMed 19884007 (cited by Labcorp Genetics (formerly Invitae), Labcorp); PubMed 20976770 (cited by Labcorp Genetics (formerly Invitae), Labcorp).